The following is an entry in ClinVar:

NM_001040108.2(MLH3):c.361G>A (p.Val121Met)

Gene: MLH3 (mutL homolog 3; minus strand). Cytogenetic location: 14q24.3.
Variant type: single nucleotide variant.
Coding change: c.361G>A on transcript NM_001040108.2 (MANE Select); coding-DNA position 361, G replaced by A.
Protein change: p.Val121Met; replaces valine 121 with methionine.
Molecular consequence: missense variant.
Genome position (GRCh38, 1-based): chr14:75,049,295, C>T on the plus strand (G>A on the coding strand, the complement: MLH3 is on the minus strand). VCF-style: chr14-75049295-C-T. GRCh37 (hg19) VCF-style: chr14-75515998-C-T.
Other names: c.361G>A, p.Val121Met (NM_014381.3); short protein forms V121M.
Identifiers: ClinVar variation 4860162 (VCV004860162.1).

ClinVar aggregate classification (germline): Uncertain significance (1 of 4 stars; one submission).

Submission:

Ambry Genetics
Classification: Uncertain significance. Last evaluated: 2026-03-17. Review status: criteria provided, single submitter. Criteria: Ambry Variant Classification Scheme 2023. Collection method: clinical testing. Allele origin: germline.
Comment: The p.V121M variant (also known as c.361G>A), located in coding exon 1 of the MLH3 gene, results from a G to A substitution at nucleotide position 361. The valine at codon 121 is replaced by methionine, an amino acid with highly similar properties. This amino acid position is conserved. In addition, the in silico prediction for this alteration is inconclusive. Based on the available evidence, the clinical significance of this variant remains unclear.